The following is an entry in ClinVar:

NM_201384.3(PLEC):c.7922A>G (p.Glu2641Gly)

Gene: PLEC (plectin; minus strand). Cytogenetic location: 8q24.3.
Variant type: single nucleotide variant.
Coding change: c.7922A>G on transcript NM_201384.3 (MANE Select); coding-DNA position 7922, A replaced by G.
Protein change: p.Glu2641Gly; replaces glutamic acid 2641 with glycine.
Molecular consequence: missense variant.
Genome position (GRCh38, 1-based): chr8:143,921,899, T>C on the plus strand (A>G on the coding strand, the complement: PLEC is on the minus strand). VCF-style: chr8-143921899-T-C. GRCh37 (hg19) VCF-style: chr8-144996067-T-C.
Other names: c.8003A>G, p.Glu2668Gly (NM_000445.5); c.4622A>G, p.Glu1541Gly (NM_001410941.1); c.7880A>G, p.Glu2627Gly (NM_201378.4); c.7856A>G, p.Glu2619Gly (NM_201379.3); c.8333A>G, p.Glu2778Gly (NM_201380.4); c.7826A>G, p.Glu2609Gly (NM_201381.3); c.7922A>G, p.Glu2641Gly (NM_201382.4); c.7934A>G, p.Glu2645Gly (NM_201383.3); short protein forms E1541G, E2609G, E2627G, E2641G, E2619G, E2668G, E2778G, E2645G.
Identifiers: ClinVar variation 1978028 (VCV001978028.5), dbSNP rs2537525195, ClinGen allele CA372521100.
Genomic context (GRCh38, chr8:143,921,899, plus strand): 5'-GCCTCCTGCAGCCTCTGAGCTGACACCTTCCGCCGCAGGCCATCGAAGCTGTGCTCCGGC[T>C]CTGCCTCTGCCGCGGGGCCATCAAGTGCATCCCGGCCATTGGGCAGGGTCTTTGTGGCAG-3'
Protein context (NP_958786.1, residues 2631-2651): DALDGPAAEA[Glu2641Gly]PEHSFDGLRR

ClinVar aggregate classification (germline): Uncertain significance (1 of 4 stars; one submission).

Conditions:
Epidermolysis bullosa simplex 5B, with muscular dystrophy (EBS5B). Also called: Epidermolysis bullosa simplex with muscular dystrophy; EPIDERMOLYSIS BULLOSA SIMPLEX AND LIMB-GIRDLE MUSCULAR DYSTROPHY. Identifiers: Orphanet 257, MedGen C2931072, MONDO:0009181, OMIM 226670.
Epidermolysis bullosa simplex, Ogna type (EBS5A). Also called: Pidermolysis bullosa simplex 5A, Ogna type; EPIDERMOLYSIS BULLOSA SIMPLEX 5A, OGNA TYPE. Identifiers: Orphanet 79401, MedGen C0432317, MONDO:0007555, OMIM 131950.
Epidermolysis bullosa simplex 5C, with pyloric atresia (EBS5C). Also called: Epidermolysis bullosa simplex with pyloric atresia; PLEC-Related Epidermolysis Bullosa with Pyloric Atresia; PLEC1-Related Epidermolysis Bullosa with Pyloric Atresia. Identifiers: Orphanet 158684, MedGen C2677349, MONDO:0012807, OMIM 612138.
Autosomal recessive limb-girdle muscular dystrophy type 2Q (LGMDR17). Also called: MUSCULAR DYSTROPHY, LIMB-GIRDLE, AUTOSOMAL RECESSIVE 17. Identifiers: Orphanet 254361, MedGen C3150989, MONDO:0013390, OMIM 613723.
Epidermolysis bullosa simplex with nail dystrophy (EBS5D). Identifiers: MedGen C4225309, MONDO:0014661, OMIM 616487.

Submission:

Labcorp Genetics (formerly Invitae), Labcorp
Classification: Uncertain significance for Autosomal recessive limb-girdle muscular dystrophy type 2Q; Epidermolysis bullosa simplex, Ogna type; Epidermolysis bullosa simplex with nail dystrophy; Epidermolysis bullosa simplex 5C, with pyloric atresia; Epidermolysis bullosa simplex 5B, with muscular dystrophy. Last evaluated: 2022-07-20. Review status: criteria provided, single submitter. Criteria: Invitae Variant Classification Sherloc (09022015). Collection method: clinical testing. Allele origin: germline.
Comment: This sequence change replaces glutamic acid, which is acidic and polar, with glycine, which is neutral and non-polar, at codon 2668 of the PLEC protein (p.Glu2668Gly). This variant is not present in population databases (gnomAD no frequency). This variant has not been reported in the literature in individuals affected with PLEC-related conditions. Algorithms developed to predict the effect of missense changes on protein structure and function are either unavailable or do not agree on the potential impact of this missense change (SIFT: "Deleterious"; PolyPhen-2: "Benign"; Align-GVGD: "Class C15"). In summary, the available evidence is currently insufficient to determine the role of this variant in disease. Therefore, it has been classified as a Variant of Uncertain Significance.